The following is an entry in ClinVar:

ClinVar aggregate classification (germline): Uncertain significance (1 of 4 stars; one submission).

Conditions:
Intellectual developmental disorder 61. Also called: INTELLECTUAL DEVELOPMENTAL DISORDER, AUTOSOMAL DOMINANT 61; MENTAL RETARDATION, AUTOSOMAL DOMINANT 61. Identifiers: MedGen C5231400, MONDO:0032485, OMIM 618009.

gnomAD v4.1: 2 of 1,613,440 alleles (0.00012%); highest among the groups gnomAD compares: Non-Finnish European, 0.000085%; no homozygotes.

Submission:

University of Washington Department of Laboratory Medicine, University of Washington
Classification: Uncertain significance for Intellectual developmental disorder 61. Last evaluated: 2022-10-27. Review status: criteria provided, single submitter. Criteria: ACMG Guidelines, 2015. Collection method: clinical testing. Allele origin: unknown. Affected: yes.
Comment: The p.Arg1864Cys variant in the MED13 gene has not been previously reported in association with disease. This variant has been identified in 2/249088 chromosomes by the Genome Aggregation Database. It is located within the C-terminal domain of the MED13 protein. In silico tools predict that the p.Arg1864Cys is deleterious; however, these predictions have not been tested directly. Using ACMG guidelines, this variant was classified as a variant of uncertain significance (ACMG evidence codes used: PM2_supporting, PP3).

NM_005121.3(MED13):c.5590C>T (p.Arg1864Cys)

Gene: MED13 (mediator complex subunit 13; minus strand). Cytogenetic location: 17q23.2.
Variant type: single nucleotide variant.
Coding change: c.5590C>T on transcript NM_005121.3 (MANE Select); coding-DNA position 5590, C replaced by T.
Protein change: p.Arg1864Cys; replaces arginine 1864 with cysteine.
Molecular consequence: missense variant.
Genome position (GRCh38, 1-based): chr17:61,956,372, G>A on the plus strand (C>T on the coding strand, the complement: MED13 is on the minus strand). VCF-style: chr17-61956372-G-A. GRCh37 (hg19) VCF-style: chr17-60033733-G-A.
Other names: c.5590C>T (NM_005121.2); short protein forms R1864C.
Identifiers: ClinVar variation 3777189 (VCV003777189.1).